The following is an entry in ClinVar:

ClinVar aggregate classification (germline): Uncertain significance (1 of 4 stars; one submission).

Conditions:
KBG syndrome (KBGS). Also called: ANKRD11-Related KBG Syndrome. Identifiers: Orphanet 2332, MedGen C0220687, MONDO:0007846, OMIM 148050.

Submission:

Neuberg Centre For Genomic Medicine, NCGM
Classification: Uncertain significance for KBG syndrome. Review status: criteria provided, single submitter. Criteria: ACMG Guidelines, 2015. Collection method: clinical testing. Allele origin: germline. Inheritance: Autosomal dominant inheritance. Affected: yes.
Comment: The missense variant in c.1471G>T (p.Asp491Tyr) in ANKRD11 gene has not been reported previously as a pathogenic variant nor as a benign variant, to our knowledge. The p.Asp491Tyr variant is novel (not in any individuals) in gnomAD Exomes and 1000 Genomes. The amino acid Asp at position 491 is changed to a Tyr changing protein sequence and it might alter its composition and physico-chemical properties. The variant is predicted to be damaging by both SIFT and PolyPhen2. The residue is conserved across species. The amino acid change p.Asp491Tyr in ANKRD11 is predicted as conserved by GERP++ and PhyloP across 100 vertebrates. For these reasons, this variant has been classified as Uncertain Significance.

NM_013275.6(ANKRD11):c.1471G>T (p.Asp491Tyr)

Gene: ANKRD11 (ankyrin repeat domain 11; minus strand). Cytogenetic location: 16q24.3.
Variant type: single nucleotide variant.
Coding change: c.1471G>T on transcript NM_013275.6 (MANE Select); coding-DNA position 1471, G replaced by T.
Protein change: p.Asp491Tyr; replaces aspartic acid 491 with tyrosine.
Molecular consequence: missense variant.
Genome position (GRCh38, 1-based): chr16:89,285,071, C>A on the plus strand (G>T on the coding strand, the complement: ANKRD11 is on the minus strand). VCF-style: chr16-89285071-C-A. GRCh37 (hg19) VCF-style: chr16-89351479-C-A.
Other names: c.1471G>T, p.Asp491Tyr (NM_001256182.2, NM_001256183.2); short protein forms D491Y.
Identifiers: ClinVar variation 2585495 (VCV002585495.1), dbSNP rs2034552056, ClinGen allele CA397164881.